The following is an entry in ClinVar:

ClinVar aggregate classification (germline): Likely benign (1 of 4 stars; one submission).

Submission:

CeGaT Center for Human Genetics Tuebingen
Classification: Likely benign. Last evaluated: 2024-08-01. Review status: criteria provided, single submitter. Criteria: CeGaT Center For Human Genetics Tuebingen Variant Classification Criteria Version 2. Collection method: clinical testing. Allele origin: germline. Affected: yes. Observed: 1 variant allele.
Comment: PTPN22: BP4, BP7

NM_015967.8(PTPN22):c.426C>T (p.Tyr142=)

Genes: AP4B1-AS1 (AP4B1 antisense RNA 1; plus strand), PTPN22 (protein tyrosine phosphatase non-receptor type 22; minus strand). Cytogenetic location: 1p13.2.
Variant type: single nucleotide variant.
Coding change: c.426C>T on transcript NM_015967.8 (MANE Select); coding-DNA position 426, C replaced by T.
Protein change: p.Tyr142=; no amino-acid change (tyrosine 142 retained).
Molecular consequence: synonymous variant. On other transcripts: intron variant (1).
Genome position (GRCh38, 1-based): chr1:113,856,602, G>A on the plus strand (C>T on the coding strand, the complement: PTPN22 is on the minus strand). VCF-style: chr1-113856602-G-A. GRCh37 (hg19) VCF-style: chr1-114399224-G-A.
Other names: c.426C>T, p.Tyr142= (NM_001193431.3, NM_012411.6); c.409-161C>T (NM_001308297.2).
Identifiers: ClinVar variation 3342175 (VCV003342175.16).